The following is an entry in ClinVar:

ClinVar aggregate classification (germline): Uncertain significance (1 of 4 stars; one submission).

Conditions:
Polyglucosan body myopathy type 2. Identifiers: Orphanet 456369, MedGen C4015452, MONDO:0014526, OMIM 616199.
Glycogen storage disease XV (GSD15). Also called: GLYCOGENIN DEFICIENCY; GSD XV. Identifiers: Orphanet 263297, MedGen C3150754, MONDO:0013291, OMIM 613507.

Allele frequency attached by ClinVar (database versions not stated): gnomAD exomes below 0.00001; TOPMed 0.00002.
gnomAD v4.1: 1 of 1,594,978 alleles (0.000063%); highest among the groups gnomAD compares: African/African-American, 0.0013%; no homozygotes.

Submission:

Labcorp Genetics (formerly Invitae), Labcorp
Classification: Uncertain significance for Polyglucosan body myopathy type 2; Glycogen storage disease XV. Last evaluated: 2021-06-23. Review status: criteria provided, single submitter. Criteria: Invitae Variant Classification Sherloc (09022015). Collection method: clinical testing. Allele origin: germline.
Comment: In summary, the available evidence is currently insufficient to determine the role of this variant in disease. Therefore, it has been classified as a Variant of Uncertain Significance. Algorithms developed to predict the effect of missense changes on protein structure and function (SIFT, PolyPhen-2, Align-GVGD) all suggest that this variant is likely to be tolerated, but these predictions have not been confirmed by published functional studies and their clinical significance is uncertain. This variant has not been reported in the literature in individuals with GYG1-related conditions. This variant is not present in population databases (ExAC no frequency). This sequence change replaces serine with leucine at codon 272 of the GYG1 protein (p.Ser272Leu). The serine residue is moderately conserved and there is a large physicochemical difference between serine and leucine.

NM_004130.4(GYG1):c.815C>T (p.Ser272Leu)

Gene: GYG1 (glycogenin 1; plus strand). Cytogenetic location: 3q24.
Variant type: single nucleotide variant.
Coding change: c.815C>T on transcript NM_004130.4 (MANE Select); coding-DNA position 815, C replaced by T.
Protein change: p.Ser272Leu; replaces serine 272 with leucine.
Molecular consequence: missense variant. On other transcripts: intron variant (1).
Genome position (GRCh38, 1-based): chr3:149,024,259, C>T. VCF-style: chr3-149024259-C-T. GRCh37 (hg19) VCF-style: chr3-148742046-C-T.
Other names: c.815C>T, p.Ser272Leu (NM_001184720.2); c.609-2501C>T (NM_001184721.2); short protein forms S272L.
Identifiers: ClinVar variation 1372117 (VCV001372117.8), dbSNP rs1226277771, ClinGen allele CA354908835.